The following is an entry in ClinVar:

ClinVar aggregate classification (germline): Uncertain significance (1 of 4 stars; one submission).

Allele frequency attached by ClinVar (database versions not stated): gnomAD 0.00001; TOPMed 0.00001.
gnomAD v4.1: 2 of 1,614,086 alleles (0.00012%); highest among the groups gnomAD compares: Admixed American, 0.0017%; no homozygotes.

Submission:

Labcorp Genetics (formerly Invitae), Labcorp
Classification: Uncertain significance. Last evaluated: 2022-02-20. Review status: criteria provided, single submitter. Criteria: Invitae Variant Classification Sherloc (09022015). Collection method: clinical testing. Allele origin: germline.
Comment: In summary, the available evidence is currently insufficient to determine the role of this variant in disease. Therefore, it has been classified as a Variant of Uncertain Significance. Algorithms developed to predict the effect of missense changes on protein structure and function are either unavailable or do not agree on the potential impact of this missense change (SIFT: "Tolerated"; PolyPhen-2: "Possibly Damaging"; Align-GVGD: "Class C0"). This variant has not been reported in the literature in individuals affected with NLRP1-related conditions. This variant is present in population databases (no rsID available, gnomAD 0.01%). This sequence change replaces proline, which is neutral and non-polar, with threonine, which is neutral and polar, at codon 468 of the NLRP1 protein (p.Pro468Thr).

NM_033004.4(NLRP1):c.1402C>A (p.Pro468Thr)

Gene: NLRP1 (NLR family pyrin domain containing 1; minus strand). Cytogenetic location: 17p13.2.
Variant type: single nucleotide variant.
Coding change: c.1402C>A on transcript NM_033004.4 (MANE Select); coding-DNA position 1402, C replaced by A.
Protein change: p.Pro468Thr; replaces proline 468 with threonine.
Molecular consequence: missense variant.
Genome position (GRCh38, 1-based): chr17:5,559,294, G>T on the plus strand (C>A on the coding strand, the complement: NLRP1 is on the minus strand). VCF-style: chr17-5559294-G-T. GRCh37 (hg19) VCF-style: chr17-5462614-G-T.
Other names: c.1402C>A, p.Pro468Thr (NM_001033053.3, NM_014922.5, NM_033006.4 and 1 more transcripts); short protein forms P468T.
Identifiers: ClinVar variation 2186562 (VCV002186562.4), dbSNP rs1189615339, ClinGen allele CA397385935.